The following is an entry in ClinVar:

ClinVar aggregate classification (germline): Uncertain significance. Review status: criteria provided, multiple submitters, no conflicts (2 of 4 stars). 2 submissions from 2 submitters: Uncertain significance (2). Last evaluated 2025-09-10.

Conditions:
Acromesomelic dysplasia 1, Maroteaux type (AMD1). Also called: ST. HELENA DYSPLASIA; ACROMESOMELIC DYSPLASIA 1. Identifiers: Orphanet 40, MedGen C1864356, MONDO:0011275, OMIM 602875.
Tall stature-scoliosis-macrodactyly of the great toes syndrome. Also called: Epiphyseal chondrodysplasia, miura type. Identifiers: Orphanet 329191, MedGen C4014690, MONDO:0014401, OMIM 615923.

Submissions (2):

Genomic Medicine Center of Excellence, King Faisal Specialist Hospital and Research Centre
Classification: Uncertain significance for Acromesomelic dysplasia 1, Maroteaux type. Last evaluated: 2025-09-10. Review status: criteria provided, single submitter. Criteria: ACMG Guidelines, 2015. Collection method: clinical testing. Allele origin: germline.

Labcorp Genetics (formerly Invitae), Labcorp
Classification: Uncertain significance for Tall stature-scoliosis-macrodactyly of the great toes syndrome; Acromesomelic dysplasia 1, Maroteaux type. Last evaluated: 2024-10-22. Review status: criteria provided, single submitter. Criteria: Invitae Variant Classification Sherloc (09022015). Collection method: clinical testing. Allele origin: germline.
Comment: This sequence change replaces lysine, which is basic and polar, with asparagine, which is neutral and polar, at codon 683 of the NPR2 protein (p.Lys683Asn). This variant is not present in population databases (gnomAD no frequency). This variant has not been reported in the literature in individuals affected with NPR2-related conditions. ClinVar contains an entry for this variant (Variation ID: 1937614). An algorithm developed to predict the effect of missense changes on protein structure and function (PolyPhen-2) suggests that this variant is likely to be disruptive. In summary, the available evidence is currently insufficient to determine the role of this variant in disease. Therefore, it has been classified as a Variant of Uncertain Significance.

NM_003995.4(NPR2):c.2049G>T (p.Lys683Asn)

Gene: NPR2 (natriuretic peptide receptor 2; plus strand). Cytogenetic location: 9p13.3.
Variant type: single nucleotide variant.
Coding change: c.2049G>T on transcript NM_003995.4 (MANE Select); coding-DNA position 2049, G replaced by T.
Protein change: p.Lys683Asn; replaces lysine 683 with asparagine.
Molecular consequence: missense variant.
Genome position (GRCh38, 1-based): chr9:35,805,831, G>T. VCF-style: chr9-35805831-G-T. GRCh37 (hg19) VCF-style: chr9-35805828-G-T.
Other names: c.2058G>T, p.Lys686Asn (NM_001378923.1); short protein forms K686N, K683N.
Identifiers: ClinVar variation 1937614 (VCV001937614.6), dbSNP rs1828352178, ClinGen allele CA373378107.